The following is an entry in ClinVar:

NM_001142864.4(PIEZO1):c.6019A>C (p.Met2007Leu)

Gene: PIEZO1 (piezo type mechanosensitive ion channel component 1 (Er blood group); minus strand). Cytogenetic location: 16q24.3.
Variant type: single nucleotide variant.
Coding change: c.6019A>C on transcript NM_001142864.4 (MANE Select); coding-DNA position 6019, A replaced by C.
Protein change: p.Met2007Leu; replaces methionine 2007 with leucine.
Molecular consequence: missense variant.
Genome position (GRCh38, 1-based): chr16:88,720,214, T>G on the plus strand (A>C on the coding strand, the complement: PIEZO1 is on the minus strand). VCF-style: chr16-88720214-T-G. GRCh37 (hg19) VCF-style: chr16-88786622-T-G.
Other names: c.4561A>C, p.Met1521Leu (NM_014745.1); short protein forms M2007L, M1521L.
Identifiers: ClinVar variation 2907501 (VCV002907501.5), dbSNP rs1441826695, ClinGen allele CA397086098.

ClinVar aggregate classification (germline): Pathogenic/Likely pathogenic. Review status: criteria provided, multiple submitters, no conflicts (2 of 4 stars). 3 submissions from 3 submitters: Pathogenic (1); Likely pathogenic (2). Last evaluated 2023-12-29.

Conditions:
PIEZO1-related disorder. Also called: PIEZO1-related condition; PIEZO1-Related Disorders.

Submissions (3):

Blueprint Genetics
Classification: Likely pathogenic for PIEZO1-related disorders. Last evaluated: 2023-12-29. Review status: criteria provided, single submitter. Criteria: ACMG Guidelines, 2015. Collection method: clinical testing. Allele origin: germline. Affected: yes. Observed: 1 variant allele.

Revvity Omics, Revvity
Classification: Likely pathogenic. Last evaluated: 2023-12-06. Review status: criteria provided, single submitter. Criteria: ACMG Guidelines, 2015. Collection method: clinical testing. Allele origin: germline.

Labcorp Genetics (formerly Invitae), Labcorp
Classification: Pathogenic. Last evaluated: 2023-05-20. Review status: criteria provided, single submitter. Criteria: Invitae Variant Classification Sherloc (09022015). Collection method: clinical testing. Allele origin: germline.
Comment: This sequence change replaces methionine, which is neutral and non-polar, with leucine, which is neutral and non-polar, at codon 2007 of the PIEZO1 protein (p.Met2007Leu). For these reasons, this variant has been classified as Pathogenic. Advanced modeling of protein sequence and biophysical properties (such as structural, functional, and spatial information, amino acid conservation, physicochemical variation, residue mobility, and thermodynamic stability) has been performed at Invitae for this missense variant, however the output from this modeling did not meet the statistical confidence thresholds required to predict the impact of this variant on PIEZO1 protein function. This missense change has been observed in individuals with autosomal dominant hereditary xerocytosis (PMID: 30655378, 32109669). It has also been observed to segregate with disease in related individuals. This variant is not present in population databases (gnomAD no frequency).

Literature cited by the submitters: PubMed 30655378 (cited by Labcorp Genetics (formerly Invitae), Labcorp); PubMed 32109669 (cited by Labcorp Genetics (formerly Invitae), Labcorp).